The following is an entry in ClinVar:

ClinVar aggregate classification (germline): Likely benign. Review status: criteria provided, multiple submitters, no conflicts (2 of 4 stars). 3 submissions from 3 submitters: Likely benign (3). Last evaluated 2025-10-16.

Conditions:
Tuberous sclerosis syndrome (TSC). Also called: Tuberous Sclerosis Complex; Tuberous sclerosis. Identifiers: Orphanet 805, MedGen C0041341, MONDO:0001734.
Tuberous sclerosis 2 (TSC2). Identifiers: Orphanet 805, MedGen C1860707, MONDO:0013199, OMIM 613254.

Allele frequency attached by ClinVar (database versions not stated): gnomAD exomes 0.00001.
gnomAD v4.1: 10 of 1,611,740 alleles (0.00062%); highest among the groups gnomAD compares: Non-Finnish European, 0.00085%; no homozygotes.

Submissions (3):

Labcorp Genetics (formerly Invitae), Labcorp
Classification: Likely benign for Tuberous sclerosis 2. Last evaluated: 2025-10-16. Review status: criteria provided, single submitter. Criteria: Invitae Variant Classification Sherloc (09022015). Collection method: clinical testing. Allele origin: germline.

Myriad Genetics, Inc.
Classification: Likely benign for Tuberous sclerosis 2. Last evaluated: 2025-05-20. Review status: criteria provided, single submitter. Criteria: Myriad Autosomal Dominant, Autosomal Recessive and X-Linked Classification Criteria (2023). Collection method: clinical testing. Allele origin: unknown.
Comment: This variant is considered likely benign. This variant is intronic and is not expected to impact mRNA splicing.

All of Us Research Program, National Institutes of Health
Classification: Likely benign for Tuberous sclerosis syndrome. Last evaluated: 2023-10-02. Review status: criteria provided, single submitter. Criteria: ACMG Guidelines, 2015. Collection method: clinical testing. Allele origin: germline. Inheritance: Autosomal dominant inheritance. Observed: 2 variant alleles, 2 heterozygotes.
Comment: This study involves interpretation of variants in research participants for the purpose of population health screening. Participant phenotype was not available at the time of variant classification. Additional details can be found in publication PMID: 35346344, PMCID: PMC8962531

NM_000548.5(TSC2):c.2546-15T>C

Gene: TSC2 (TSC complex subunit 2; plus strand). Cytogenetic location: 16p13.3.
Variant type: single nucleotide variant.
Coding change: c.2546-15T>C on transcript NM_000548.5 (MANE Select); 15 bases into the intron before coding-DNA position 2546, T replaced by C.
Molecular consequence: intron variant.
Genome position (GRCh38, 1-based): chr16:2,075,784, T>C. VCF-style: chr16-2075784-T-C. GRCh37 (hg19) VCF-style: chr16-2125785-T-C.
Other names: c.2546-15T>C (NM_001114382.3, NM_021055.3, NM_001370405.1 and 3 more transcripts); c.2435-15T>C (NM_001318827.2); c.1946-15T>C (NM_001318831.2); c.2399-15T>C (NM_001318829.2); c.2579-15T>C (NM_001318832.2).
Identifiers: ClinVar variation 1552570 (VCV001552570.10), dbSNP rs371256839, ClinGen allele CA039688.